The following is an entry in ClinVar:

NM_001365999.1(SZT2):c.2371C>T (p.Arg791Cys)

Gene: SZT2 (SZT2 subunit of KICSTOR complex; plus strand). Cytogenetic location: 1p34.2.
Variant type: single nucleotide variant.
Coding change: c.2371C>T on transcript NM_001365999.1 (MANE Select); coding-DNA position 2371, C replaced by T.
Protein change: p.Arg791Cys; replaces arginine 791 with cysteine.
Molecular consequence: missense variant.
Genome position (GRCh38, 1-based): chr1:43,424,332, C>T. VCF-style: chr1-43424332-C-T. GRCh37 (hg19) VCF-style: chr1-43890003-C-T.
Other names: c.2371C>T, p.Arg791Cys (NM_015284.4); c.2371C>T (NM_015284.3); short protein forms R791C.
Identifiers: ClinVar variation 1026539 (VCV001026539.9), dbSNP rs746376950, ClinGen allele CA808678.
Genomic context (GRCh38, chr1:43,424,332, plus strand): 5'-CCAGGTCCACTGCCCTTGGTGTCAGGCCGCTCAGCCTCTTCTAGCCTGGCGTCACTGTCC[C>T]GCTACCTCTACCATCAGCGCTGGCTTTGGAGTGTCCCGTCAGGACTGGCCCCTGCGCTGC-3'
Protein context (NP_001352928.1, residues 781-801): SASSSLASLS[Arg791Cys]YLYHQRWLWS

ClinVar aggregate classification (germline): Uncertain significance. Review status: criteria provided, multiple submitters, no conflicts (2 of 4 stars). 2 submissions from 2 submitters: Uncertain significance (2). Last evaluated 2026-08-17.

Conditions:
Inborn genetic diseases. Identifiers: MedGen C0950123, MeSH D030342.

Allele frequency attached by ClinVar (database versions not stated): gnomAD exomes below 0.00001 and 0.00001; ExAC 0.00001; gnomAD 0.00001.
gnomAD v4.1: 8 of 1,598,082 alleles (0.0005%); highest among the groups gnomAD compares: African/African-American, 0.0027%; no homozygotes.

Submissions (2):

Ambry Genetics
Classification: Uncertain significance for Inborn genetic diseases. Last evaluated: 2026-08-17. Review status: criteria provided, single submitter. Criteria: Ambry Variant Classification Scheme 2023. Collection method: clinical testing. Allele origin: germline.
Comment: The c.2371C>T (p.R791C) alteration is located in exon 16 (coding exon 16) of the SZT2 gene. This alteration results from a C to T substitution at nucleotide position 2371, causing the arginine (R) at amino acid position 791 to be replaced by a cysteine (C). Based on data from gnomAD, the T allele has an overall frequency of <0.001% (1/231688) total alleles studied. The highest observed frequency was 0.001% (1/108202) of European (non-Finnish) alleles. Based on insufficient or conflicting evidence, the clinical significance of this alteration remains unclear.

Labcorp Genetics (formerly Invitae), Labcorp
Classification: Uncertain significance. Last evaluated: 2023-09-01. Review status: criteria provided, single submitter. Criteria: Invitae Variant Classification Sherloc (09022015). Collection method: clinical testing. Allele origin: germline.
Comment: In summary, the available evidence is currently insufficient to determine the role of this variant in disease. Therefore, it has been classified as a Variant of Uncertain Significance. Advanced modeling of protein sequence and biophysical properties (such as structural, functional, and spatial information, amino acid conservation, physicochemical variation, residue mobility, and thermodynamic stability) performed at Invitae indicates that this missense variant is not expected to disrupt SZT2 protein function. ClinVar contains an entry for this variant (Variation ID: 1026539). This variant has not been reported in the literature in individuals affected with SZT2-related conditions. This variant is present in population databases (rs746376950, gnomAD 0.0009%). This sequence change replaces arginine, which is basic and polar, with cysteine, which is neutral and slightly polar, at codon 791 of the SZT2 protein (p.Arg791Cys).